The following is an entry in ClinVar:

NM_000053.4(ATP7B):c.1477C>T (p.Gln493Ter)

Gene: ATP7B (ATPase copper transporting beta; minus strand). Cytogenetic location: 13q14.3.
Variant type: single nucleotide variant.
Coding change: c.1477C>T on transcript NM_000053.4 (MANE Select); coding-DNA position 1477, C replaced by T.
Protein change: p.Gln493Ter; replaces glutamine 493 with a stop codon.
Molecular consequence: nonsense. On other transcripts: intron variant (1).
Genome position (GRCh38, 1-based): chr13:51,970,558, G>A on the plus strand (C>T on the coding strand, the complement: ATP7B is on the minus strand). VCF-style: chr13-51970558-G-A. GRCh37 (hg19) VCF-style: chr13-52544694-G-A.
Other names: c.1477C>T, p.Gln493Ter (NM_001005918.3, NM_001406519.1, NM_001406520.1 and 28 more transcripts); c.1381C>T, p.Gln461Ter (NM_001406518.1, NM_001406543.1, NM_001406544.1 and 3 more transcripts); c.1048C>T, p.Gln350Ter (NM_001406539.1); c.1285+3377C>T (NM_001406548.1); c.1144C>T, p.Gln382Ter (NM_001243182.2); short protein forms Q382*, Q493*, Q350*, Q461*.
Identifiers: ClinVar variation 2696853 (VCV002696853.3), dbSNP rs2547793319, ClinGen allele CA388035484.

ClinVar aggregate classification (germline): Pathogenic (1 of 4 stars; one submission).

Conditions:
Wilson disease (WND). Also called: Wilson's disease. Identifiers: Orphanet 905, MedGen C0019202, MONDO:0010200, OMIM 277900. Disease mechanism: loss of function.

Submission:

Labcorp Genetics (formerly Invitae), Labcorp
Classification: Pathogenic for Wilson disease. Last evaluated: 2023-11-17. Review status: criteria provided, single submitter. Criteria: Invitae Variant Classification Sherloc (09022015). Collection method: clinical testing. Allele origin: germline.
Comment: This sequence change creates a premature translational stop signal (p.Gln493*) in the ATP7B gene. It is expected to result in an absent or disrupted protein product. Loss-of-function variants in ATP7B are known to be pathogenic (PMID: 10441329, 16283883). This variant is not present in population databases (gnomAD no frequency). This variant has not been reported in the literature in individuals affected with ATP7B-related conditions. Algorithms developed to predict the effect of sequence changes on RNA splicing suggest that this variant may disrupt the consensus splice site. For these reasons, this variant has been classified as Pathogenic.

Literature cited by the submitters: PubMed 10441329; PubMed 16283883.